The following is an entry in ClinVar:

NM_003573.2(LTBP4):c.172C>T (p.Pro58Ser)

Gene: LTBP4 (latent transforming growth factor beta binding protein 4; plus strand). Cytogenetic location: 19q13.2.
Variant type: single nucleotide variant.
Coding change: c.172C>T on transcript NM_003573.2; coding-DNA position 172, C replaced by T.
Protein change: p.Pro58Ser; replaces proline 58 with serine.
Molecular consequence: missense variant.
Genome position (GRCh38, 1-based): chr19:40,599,498, C>T. VCF-style: chr19-40599498-C-T. GRCh37 (hg19) VCF-style: chr19-41105404-C-T.
Other names: c.283C>T, p.Pro95Ser (NM_001042544.1); short protein forms P58S, P95S.
Identifiers: ClinVar variation 1302535 (VCV001302535.8), dbSNP rs373445028, ClinGen allele CA9447951.

ClinVar aggregate classification (germline): Uncertain significance. Review status: criteria provided, multiple submitters, no conflicts (2 of 4 stars). 2 submissions from 2 submitters: Uncertain significance (2). Last evaluated 2026-06-01.

Conditions:
Cutis laxa with severe pulmonary, gastrointestinal and urinary anomalies. Also called: LTBP4-Related Cutis Laxa; Cutis laxa, autosomal recessive, type IC; URBAN-RIFKIN-DAVIS SYNDROME. Identifiers: Orphanet 221145, MedGen C2750804, MONDO:0013170, OMIM 613177. Disease mechanism: loss of function.

Allele frequency attached by ClinVar (database versions not stated): gnomAD exomes 0.00001 and below 0.00001; 1000 Genomes Project 0.00020; TOPMed 0.00004; gnomAD 0.00005 and 0.00004; ESP Exome Variant Server 0.00008; 1000 Genomes Project 30x 0.00016; ExAC 0.00003.
gnomAD v4.1: 13 of 1,613,608 alleles (0.00081%); highest among the groups gnomAD compares: African/African-American, 0.013%; no homozygotes.

Submissions (2):

CeGaT Center for Human Genetics Tuebingen
Classification: Uncertain significance. Last evaluated: 2026-06-01. Review status: criteria provided, single submitter. Criteria: CeGaT Center For Human Genetics Tuebingen Variant Classification Criteria Version 2. Collection method: clinical testing. Allele origin: germline. Affected: yes. Observed: 1 variant allele.
Comment: LTBP4: PM2, BP4

GeneDx
Classification: Uncertain significance. Last evaluated: 2021-04-16. Review status: criteria provided, single submitter. Criteria: GeneDx Variant Classification Process June 2021. Collection method: clinical testing. Allele origin: germline. Affected: yes.
Comment: In silico analysis supports that this missense variant does not alter protein structure/function; Has not been previously published as pathogenic or benign to our knowledge